The following is an entry in ClinVar:

NM_001171.6(ABCC6):c.438G>A (p.Leu146=)

Gene: ABCC6 (ATP binding cassette subfamily C member 6; minus strand). Cytogenetic location: 16p13.11.
Variant type: single nucleotide variant.
Coding change: c.438G>A on transcript NM_001171.6 (MANE Select); coding-DNA position 438, G replaced by A.
Protein change: p.Leu146=; no amino-acid change (leucine 146 retained).
Molecular consequence: synonymous variant. On other transcripts: non-coding transcript variant (4).
Genome position (GRCh38, 1-based): chr16:16,219,590, C>T on the plus strand (G>A on the coding strand, the complement: ABCC6 is on the minus strand). VCF-style: chr16-16219590-C-T. GRCh37 (hg19) VCF-style: chr16-16313447-C-T.
Other names: c.96G>A, p.Leu32= (NM_001351800.1); c.438G>A, p.Leu146= (NM_001440309.1, NM_001440310.1).
Identifiers: ClinVar variation 5038951 (VCV005038951.1).

ClinVar aggregate classification (germline): Likely benign (1 of 4 stars; one submission).

Submission:

CeGaT Center for Human Genetics Tuebingen
Classification: Likely benign. Last evaluated: 2026-07-01. Review status: criteria provided, single submitter. Criteria: CeGaT Center For Human Genetics Tuebingen Variant Classification Criteria Version 2. Collection method: clinical testing. Allele origin: germline. Affected: yes. Observed: 1 variant allele.
Comment: ABCC6: PM2:Supporting, BP4, BP7